The following is an entry in ClinVar:

ClinVar aggregate classification (germline): Uncertain significance (1 of 4 stars; one submission).

Submission:

GeneDx
Classification: Uncertain significance. Last evaluated: 2022-05-02. Review status: criteria provided, single submitter. Criteria: GeneDx Variant Classification Process June 2021. Collection method: clinical testing. Allele origin: germline. Affected: yes.
Comment: Not observed in large population cohorts (gnomAD); In silico analysis supports that this missense variant has a deleterious effect on protein structure/function; Has not been previously published as pathogenic or benign to our knowledge

NM_001127222.2(CACNA1A):c.6272C>T (p.Ala2091Val)

Gene: CACNA1A (calcium voltage-gated channel subunit alpha1 A; minus strand). Cytogenetic location: 19p13.13.
Variant type: single nucleotide variant.
Coding change: c.6272C>T on transcript NM_001127222.2 (MANE Select); coding-DNA position 6272, C replaced by T.
Protein change: p.Ala2091Val; replaces alanine 2091 with valine.
Molecular consequence: missense variant.
Genome position (GRCh38, 1-based): chr19:13,212,134, G>A on the plus strand (C>T on the coding strand, the complement: CACNA1A is on the minus strand). VCF-style: chr19-13212134-G-A. GRCh37 (hg19) VCF-style: chr19-13322948-G-A.
Other names: c.6275C>T, p.Ala2092Val (NM_001127221.2); c.6281C>T, p.Ala2094Val (NM_001174080.2); c.6290C>T, p.Ala2097Val (NM_023035.3, NM_000068.4); short protein forms A2091V, A2092V, A2094V, A2097V.
Identifiers: ClinVar variation 1302180 (VCV001302180.3), dbSNP rs377051916, ClinGen allele CA404332194.